The following is an entry in ClinVar:

ClinVar aggregate classification (germline): Conflicting classifications of pathogenicity. Review status: criteria provided, conflicting classifications (1 of 4 stars). 7 submissions from 7 submitters: Uncertain significance (5); Likely benign (1). 1 of the submissions does not count toward it. Last evaluated 2026-02-11.

Conditions:
Fanconi anemia complementation group A (FANCA). Also called: Fanconi anemia, group A; FANCA-Related Fanconi Anemia. Identifiers: Orphanet 84, MedGen C3469521, MONDO:0009215, OMIM 227650.
Fanconi anemia (FA). Also called: Fanconi's anemia. Identifiers: Orphanet 84, MedGen C0015625, MeSH D005199, MONDO:0019391.

Allele frequency attached by ClinVar (database versions not stated): gnomAD 0.00001 and 0.00002; ExAC 0.00002; TOPMed 0.00003; ESP Exome Variant Server 0.00015.
gnomAD v4.1: 60 of 1,613,842 alleles (0.0037%); highest among the groups gnomAD compares: Non-Finnish European, 0.0047%; no homozygotes.

Submissions (7):

St. Jude Molecular Pathology, St. Jude Children's Research Hospital
Classification: Uncertain significance for Fanconi anemia complementation group A. Last evaluated: 2026-02-11. Review status: criteria provided, single submitter. Criteria: St. Jude Assertion Criteria 2020. Collection method: clinical testing. Allele origin: germline.
Comment: The FANCA c.4274G>A p.(Arg1425His) missense change has a maximum subpopulation frequency of 0.004% in gnomAD v2.1.1. The in silico tool REVEL predicts a benign effect on protein function, but to our knowledge this prediction has not been confirmed by functional studies. To our knowledge, this variant has not been reported in individuals with Fanconi anemia. In summary, the evidence currently available is insufficient to determine the clinical significance of this variant. It has therefore been classified as of uncertain significance.

Quest Diagnostics Nichols Institute San Juan Capistrano
Classification: Uncertain significance. Last evaluated: 2025-06-04. Review status: criteria provided, single submitter. Criteria: Quest Diagnostics criteria. Collection method: clinical testing. Allele origin: unknown.
Comment: The FANCA c.4274G>A (p.Arg1425His) variant has been reported in the published literature in an individual with pancreatic cancer (PMID: 28767289 (2017)). The frequency of this variant in the general population (Genome Aggregation Database) is uninformative in the assessment of its pathogenicity. Analysis of this variant using bioinformatics tools for the prediction of the effect of amino acid changes on protein structure and function yielded predictions that this variant is benign. Based on the available information, we are unable to determine the clinical significance of this variant.

Labcorp Genetics (formerly Invitae), Labcorp
Classification: Uncertain significance for Fanconi anemia. Last evaluated: 2025-02-18. Review status: criteria provided, single submitter. Criteria: Invitae Variant Classification Sherloc (09022015). Collection method: clinical testing. Allele origin: germline.
Comment: This sequence change replaces arginine, which is basic and polar, with histidine, which is basic and polar, at codon 1425 of the FANCA protein (p.Arg1425His). This variant is present in population databases (rs147406377, gnomAD 0.005%). This missense change has been observed in individual(s) with pancreatic cancer (PMID: 28767289). ClinVar contains an entry for this variant (Variation ID: 321326). Invitae Evidence Modeling of protein sequence and biophysical properties (such as structural, functional, and spatial information, amino acid conservation, physicochemical variation, residue mobility, and thermodynamic stability) indicates that this missense variant is not expected to disrupt FANCA protein function with a negative predictive value of 95%. In summary, the available evidence is currently insufficient to determine the role of this variant in disease. Therefore, it has been classified as a Variant of Uncertain Significance.

Blueprint Genetics
Classification: Likely benign. Last evaluated: 2022-06-29. Review status: criteria provided, single submitter. Criteria: ACMG Guidelines, 2015. Collection method: clinical testing. Allele origin: germline.

Fulgent Genetics
Classification: Uncertain significance for Fanconi anemia complementation group A. Last evaluated: 2022-02-11. Review status: criteria provided, single submitter. Criteria: ACMG Guidelines, 2015. Collection method: clinical testing. Allele origin: unknown.

Illumina Laboratory Services, Illumina
Classification: Uncertain significance for Fanconi anemia complementation group A. Last evaluated: 2018-01-13. Review status: criteria provided, single submitter. Criteria: ICSL Variant Classification Criteria 13 December 2019. Collection method: clinical testing. Allele origin: germline.

Genetic Services Laboratory, University of Chicago
Classification: Uncertain significance. Last evaluated: 2022-09-07. Review status: no assertion criteria provided. Collection method: clinical testing. Allele origin: germline. Affected: no. Not counted in ClinVar's aggregate classification.
Comment: DNA sequence analysis of the FANCA gene demonstrated a sequence change, c.4274G>A, in exon 43 that results in an amino acid change, p.Arg1425His. This sequence change has been previously described in individual with pancreatic ductal adenocarcinoma (PDAC) (PMID: 28767289). This sequence change has been described in the gnomAD database with a frequency of 0.002% (dbSNP rs147406377). The p.Arg1425His change affects a poorly conserved amino acid residue located in a domain of the FANCA protein that is not known to be functional. The p.Arg1425His substitution appears to be benign using several in-silico pathogenicity prediction tools (SIFT, PolyPhen2, Align GVGD, REVEL).OR In-silico pathogenicity prediction tools (SIFT, PolyPhen2, Align GVGD, REVEL) provide contradictory results for the p.Arg1425His substitution. Due to insufficient evidences and the lack of functional studies, the clinical significance of the p.Arg1425His change remains unknown at this time.

Literature cited by the submitters: PubMed 28767289 (cited by Quest Diagnostics Nichols Institute San Juan Capistrano and Labcorp Genetics (formerly Invitae), Labcorp).

NM_000135.4(FANCA):c.4274G>A (p.Arg1425His)

Genes: ZNF276 (zinc finger protein 276; plus strand), FANCA (FA complementation group A; minus strand). Cytogenetic location: 16q24.3.
Variant type: single nucleotide variant.
Coding change: c.4274G>A on transcript NM_000135.4 (MANE Select); coding-DNA position 4274, G replaced by A.
Protein change: p.Arg1425His; replaces arginine 1425 with histidine.
Molecular consequence: missense variant. On other transcripts: 3 prime UTR variant (3), non-coding transcript variant (4).
Genome position (GRCh38, 1-based): chr16:89,738,695, C>T on the plus strand (G>A on the coding strand, the complement: FANCA is on the minus strand). VCF-style: chr16-89738695-C-T. GRCh37 (hg19) VCF-style: chr16-89805103-C-T.
Other names: c.4274G>A (NM_000135.3); c.*3G>A (NM_001286167.3); c.*449C>T (NM_001113525.2, NM_152287.4); short protein forms R1425H.
Identifiers: ClinVar variation 321326 (VCV000321326.15), dbSNP rs147406377, ClinGen allele CA8250592.
Genomic context (GRCh38, chr16:89,738,695, plus strand): 5'-TCAGGGGCAGCCTGCTGTCTGCTCTGGAGGGCGGCGCTCACCTCTGGGTCGCAGTCCCCA[C>T]GATCAGCCAGCAGCTGTGAGAGAGGAGCAGGTCCTCAGCCCATGCCGCCCACTAGGCCTC-3'
Protein context (NP_000126.2, residues 1415-1435): FSHVAELLAD[Arg1425His]GDCDPEVSAA